The following is an entry in ClinVar:

ClinVar aggregate classification (germline): Pathogenic/Likely pathogenic. Review status: criteria provided, multiple submitters, no conflicts (2 of 4 stars). 2 submissions from 2 submitters: Pathogenic (1); Likely pathogenic (1). Last evaluated 2024-02-02.

Conditions:
Trichohepatoenteric syndrome 1 (THES1). Also called: DIARRHEA, FATAL INFANTILE, WITH TRICHORRHEXIS NODOSA. Identifiers: Orphanet 84064, MedGen C4551982, MONDO:0024541, OMIM 222470.

Allele frequency attached by ClinVar (database versions not stated): gnomAD exomes below 0.00001; ExAC 0.00001.

Submissions (2):

Labcorp Genetics (formerly Invitae), Labcorp
Classification: Pathogenic. Last evaluated: 2024-02-02. Review status: criteria provided, single submitter. Criteria: Invitae Variant Classification Sherloc (09022015). Collection method: clinical testing. Allele origin: germline.
Comment: This sequence change creates a premature translational stop signal (p.Thr796Lysfs*5) in the TTC37 gene. It is expected to result in an absent or disrupted protein product. Loss-of-function variants in TTC37 are known to be pathogenic (PMID: 20176027, 21120949). This variant is present in population databases (rs754197837, gnomAD 0.003%). This variant has not been reported in the literature in individuals affected with TTC37-related conditions. For these reasons, this variant has been classified as Pathogenic.

Neuberg Centre For Genomic Medicine, NCGM
Classification: Likely pathogenic for Trichohepatoenteric syndrome 1. Review status: criteria provided, single submitter. Criteria: ACMG Guidelines, 2015. Collection method: clinical testing. Allele origin: germline. Inheritance: Autosomal recessive inheritance. Affected: yes.
Comment: The frameshift c.2387delp.Thr796LysfsTer5 variant in TTC37 gene has not been reported previously as a pathogenic variant nor as a benign variant, to our knowledge. This variant is reported with the allele frequency of 0.0004% in the gnomAD Exomes and novel in 1000 Genomes. This variant causes a frameshift starting with codon Threonine 796, changes this amino acid to Lysine residue, and creates a premature Stop codon at position 5 of the new reading frame, denoted p.Thr796LysfsTer5. This variant is predicted to cause loss of normal protein function either through protein truncation or nonsense-mediated mRNA decay. Loss of function variants have been previously reported to be disease causing. For these reasons, this variant has been classified as Likely Pathogenic.

Literature cited by the submitters: PubMed 20176027 (cited by Labcorp Genetics (formerly Invitae), Labcorp); PubMed 21120949 (cited by Labcorp Genetics (formerly Invitae), Labcorp).

NM_014639.4(SKIC3):c.2387del (p.Thr796fs)

Gene: SKIC3 (SKI3 subunit of superkiller complex; minus strand). Cytogenetic location: 5q15.
Variant type: Deletion.
Coding change: c.2387del on transcript NM_014639.4 (MANE Select); coding-DNA position 2387, one base deleted (C; older notation c.2387delC).
Protein change: p.Thr796fs; shifts the reading frame from threonine 796.
Molecular consequence: frameshift variant.
Genome position (GRCh38, 1-based): chr5:95,516,965, G deleted on the plus strand (C on the coding strand, the reverse complement: SKIC3 is on the minus strand). VCF-style (leftmost placement, unchanged base first): chr5-95516964-TG-T. GRCh37 (hg19) VCF-style: chr5-94852668-TG-T.
Other names: short protein forms T796fs.
Identifiers: ClinVar variation 3236455 (VCV003236455.4), dbSNP rs754197837, ClinGen allele CA3347097.
Genomic context (GRCh38, chr5:95,516,964, plus strand): 5'-TTTATACCATACATGTAAAGATTTCTCCAGCAACTCCTTAAGATCATTCATGTTGCTGCC[TG>T]TTTCTGCTAGATGTTGTGCTTGGCGATAATAATTAATTCCAAGGTCACACCATGTATTAG-3'